The following is an entry in ClinVar:

ClinVar aggregate classification (germline): Uncertain significance (1 of 4 stars; one submission).

Conditions:
Obesity due to prohormone convertase I deficiency. Also called: OBESITY AND ENDOCRINOPATHY DUE TO IMPAIRED PROCESSING OF PROHORMONES. Identifiers: Orphanet 71528, MedGen C1833053, MONDO:0010961, OMIM 600955.

Allele frequency attached by ClinVar (database versions not stated): gnomAD exomes below 0.00001.
gnomAD v4.1: 2 of 1,612,626 alleles (0.00012%); highest among the groups gnomAD compares: Non-Finnish European, 0.00017%; no homozygotes.

Submission:

Baylor Genetics
Classification: Uncertain significance for Obesity due to prohormone convertase I deficiency. Last evaluated: 2018-08-22. Review status: criteria provided, single submitter. Criteria: ACMG Guidelines, 2015. Collection method: clinical testing. Allele origin: paternal. Affected: yes.
Comment: This variant was determined to be of uncertain significance according to ACMG Guidelines, 2015 [PMID:25741868].

NM_000439.5(PCSK1):c.1692A>G (p.Ile564Met)

Genes: CAST (calpastatin; plus strand), PCSK1 (proprotein convertase subtilisin/kexin type 1; minus strand), LOC101929710 (uncharacterized LOC101929710; plus strand). Cytogenetic location: 5q15.
Variant type: single nucleotide variant.
Coding change: c.1692A>G on transcript NM_000439.5 (MANE Select); coding-DNA position 1692, A replaced by G.
Protein change: p.Ile564Met; replaces isoleucine 564 with methionine.
Molecular consequence: missense variant.
Genome position (GRCh38, 1-based): chr5:96,397,366, T>C on the plus strand (A>G on the coding strand, the complement: PCSK1 is on the minus strand). VCF-style: chr5-96397366-T-C. GRCh37 (hg19) VCF-style: chr5-95733070-T-C.
Other names: c.1551A>G, p.Ile517Met (NM_001177875.2); short protein forms I517M, I564M.
Identifiers: ClinVar variation 1032360 (VCV001032360.1), dbSNP rs1580744780, ClinGen allele CA360478421.